The following is an entry in ClinVar:

NM_000059.4(BRCA2):c.374A>T (p.Asp125Val)

Gene: BRCA2 (BRCA2 DNA repair associated; plus strand). Cytogenetic location: 13q13.1.
Variant type: single nucleotide variant.
Coding change: c.374A>T on transcript NM_000059.4 (MANE Select); coding-DNA position 374, A replaced by T.
Protein change: p.Asp125Val; replaces aspartic acid 125 with valine.
Molecular consequence: missense variant. On other transcripts: non-coding transcript variant (1).
Genome position (GRCh38, 1-based): chr13:32,325,133, A>T. VCF-style: chr13-32325133-A-T. GRCh37 (hg19) VCF-style: chr13-32899270-A-T.
Other names: c.374A>T, p.Asp125Val (NM_001406719.1, NM_001406720.1, NM_001406721.1 and 1 more transcripts); c.5A>T, p.Asp2Val (NM_001406722.1); short protein forms D125V, D2V.
Identifiers: ClinVar variation 3482079 (VCV003482079.1).

ClinVar aggregate classification (germline): Uncertain significance (1 of 4 stars; one submission).

Conditions:
Hereditary cancer-predisposing syndrome. Also called: Tumor predisposition; Neoplastic Syndromes, Hereditary; Hereditary Cancer Syndrome; Hereditary neoplastic syndrome. Identifiers: Orphanet 140162, MedGen C0027672, MeSH D009386, MONDO:0015356.

Submission:

Ambry Genetics
Classification: Uncertain significance for Hereditary cancer-predisposing syndrome. Last evaluated: 2024-09-20. Review status: criteria provided, single submitter. Criteria: Ambry Variant Classification Scheme 2023. Collection method: clinical testing. Allele origin: germline.
Comment: The p.D125V variant (also known as c.374A>T), located in coding exon 3 of the BRCA2 gene, results from an A to T substitution at nucleotide position 374. The aspartic acid at codon 125 is replaced by valine, an amino acid with highly dissimilar properties. This variant was reported in at least one individual with features consistent with BRCA1/2-related hereditary breast and ovarian cancer syndrome (Konstantopoulou I et al. Clin Genet, 2014 Jan;85:36-42). This amino acid position is not well conserved in available vertebrate species. In addition, this alteration is predicted to be tolerated by in silico analysis. Based on the available evidence, the clinical significance of this variant remains unclear.

Literature cited by the submitters: PubMed 24010542.